The following is an entry in ClinVar:

NM_000516.7(GNAS):c.603_605del (p.Val202del)

Gene: GNAS (GNAS complex locus; plus strand). Cytogenetic location: 20q13.32.
Variant type: Deletion.
Coding change: c.603_605del on transcript NM_000516.7 (MANE Select); coding-DNA positions 603 to 605, 3 bases deleted (TGT; older notation c.603_605delTGT).
Protein change: p.Val202del; deletes valine 202.
Molecular consequence: inframe deletion. On other transcripts: 3 prime UTR variant (2).
Genome position (GRCh38, 1-based): chr20:58,909,367-58,909,369, TGT deleted. VCF-style (leftmost placement, unchanged base first): chr20-58909366-GTGT-G. GRCh37 (hg19) VCF-style: chr20-57484421-GTGT-G.
Other names: c.606_608del, p.Val203del (NM_001077488.5); c.558_560del, p.Val187del (NM_001077489.4); c.*464_*466del (NM_001077490.3); c.426_428del, p.Val143del (NM_001309840.2, NM_001309861.2, NM_001438276.1 and 1 more transcripts); c.507_509del, p.Val170del (NM_001410912.1); c.2487_2489del, p.Val830del (NM_001410913.1); c.381_383del, p.Val128del (NM_001438273.1, NM_001438274.1, NM_001438275.1); c.*509_*511del (NM_016592.5); and 2 more; short protein forms V128del, V143del, V170del, V187del, V188del, V202del, V203del, V830del.
Identifiers: ClinVar variation 4278911 (VCV004278911.1).

ClinVar aggregate classification (germline): Uncertain significance (1 of 4 stars; one submission).

Submission:

GeneDx
Classification: Uncertain significance. Last evaluated: 2025-04-01. Review status: criteria provided, single submitter. Criteria: GeneDx Variant Classification Process June 2021. Collection method: clinical testing. Allele origin: germline. Affected: yes.
Comment: In-frame deletion of 1 amino acid in a non-repeat region; Not observed at significant frequency in large population cohorts (gnomAD); In silico analysis supports a deleterious effect on protein structure/function; Has not been previously published as pathogenic or benign to our knowledge